The following is an entry in ClinVar:

ClinVar aggregate classification (germline): Uncertain significance (1 of 4 stars; one submission).

Conditions:
Hereditary cancer-predisposing syndrome. Also called: Tumor predisposition; Hereditary Cancer Syndrome; Hereditary neoplastic syndrome; Neoplastic Syndromes, Hereditary. Identifiers: Orphanet 140162, MedGen C0027672, MeSH D009386, MONDO:0015356.

Submission:

Ambry Genetics
Classification: Uncertain significance for Hereditary cancer-predisposing syndrome. Last evaluated: 2025-10-30. Review status: criteria provided, single submitter. Criteria: Ambry Variant Classification Scheme 2023. Collection method: clinical testing. Allele origin: germline.
Comment: The p.E254D variant (also known as c.762G>T), located in coding exon 7 of the TSC2 gene, results from a G to T substitution at nucleotide position 762. The glutamic acid at codon 254 is replaced by aspartic acid, an amino acid with highly similar properties. This amino acid position is conserved. In addition, the in silico prediction for this alteration is inconclusive. Based on the available evidence, the clinical significance of this variant remains unclear.

NM_000548.5(TSC2):c.762G>T (p.Glu254Asp)

Gene: TSC2 (TSC complex subunit 2; plus strand). Cytogenetic location: 16p13.3.
Variant type: single nucleotide variant.
Coding change: c.762G>T on transcript NM_000548.5 (MANE Select); coding-DNA position 762, G replaced by T.
Protein change: p.Glu254Asp; replaces glutamic acid 254 with aspartic acid.
Molecular consequence: missense variant. On other transcripts: 5 prime UTR variant (10), non-coding transcript variant (5).
Genome position (GRCh38, 1-based): chr16:2,056,757, G>T. VCF-style: chr16-2056757-G-T. GRCh37 (hg19) VCF-style: chr16-2106758-G-T.
Other names: c.762G>T, p.Glu254Asp (NM_001077183.3, NM_001114382.3, NM_001363528.2 and 6 more transcripts); c.651G>T, p.Glu217Asp (NM_001318827.2, NM_001406670.1, NM_001406678.1); c.615G>T, p.Glu205Asp (NM_001318829.2, NM_001406675.1, NM_001406676.1 and 1 more transcripts); c.162G>T, p.Glu54Asp (NM_001318831.2, NM_001406680.1, NM_001406682.1 and 6 more transcripts); c.795G>T, p.Glu265Asp (NM_001318832.2); c.852G>T, p.Glu284Asp (NM_001406667.1, NM_001406668.1); c.750G>T, p.Glu250Asp (NM_001406671.1, NM_001406673.1); c.705G>T, p.Glu235Asp (NM_001406677.1); and 4 more; short protein forms E100D, E217D, E250D, E254D, E54D, E205D, E235D, E265D.
Identifiers: ClinVar variation 4557168 (VCV004557168.1).